The following is an entry in ClinVar:

NM_000038.6(APC):c.6374C>T (p.Ser2125Phe)

Gene: APC (APC regulator of Wnt signaling pathway; plus strand). Cytogenetic location: 5q22.2.
Variant type: single nucleotide variant.
Coding change: c.6374C>T on transcript NM_000038.6 (MANE Select); coding-DNA position 6374, C replaced by T.
Protein change: p.Ser2125Phe; replaces serine 2125 with phenylalanine.
Molecular consequence: missense variant.
Genome position (GRCh38, 1-based): chr5:112,841,968, C>T. VCF-style: chr5-112841968-C-T. GRCh37 (hg19) VCF-style: chr5-112177665-C-T.
Other names: c.6374C>T, p.Ser2125Phe (NM_001127510.3, NM_001354895.2); c.6320C>T, p.Ser2107Phe (NM_001127511.3); c.6428C>T, p.Ser2143Phe (NM_001354896.2); c.6404C>T, p.Ser2135Phe (NM_001354897.2); c.6299C>T, p.Ser2100Phe (NM_001354898.2); c.6290C>T, p.Ser2097Phe (NM_001354899.2); c.6251C>T, p.Ser2084Phe (NM_001354900.2); c.6197C>T, p.Ser2066Phe (NM_001354901.2); and 5 more; short protein forms S1842F, S1965F, S1999F, S2024F, S2034F, S2066F, S2084F, S2097F.
Identifiers: ClinVar variation 1686449 (VCV001686449.3), dbSNP rs759624605, ClinGen allele CA16035290.

ClinVar aggregate classification (germline): Uncertain significance. Review status: criteria provided, multiple submitters, no conflicts (2 of 4 stars). 2 submissions from 2 submitters: Uncertain significance (2). Last evaluated 2022-07-28.

Conditions:
Hereditary cancer-predisposing syndrome. Also called: Hereditary Cancer Syndrome; Hereditary neoplastic syndrome; Neoplastic Syndromes, Hereditary; Tumor predisposition. Identifiers: Orphanet 140162, MedGen C0027672, MeSH D009386, MONDO:0015356.

Submissions (2):

Ambry Genetics
Classification: Uncertain significance for Hereditary cancer-predisposing syndrome. Last evaluated: 2022-07-28. Review status: criteria provided, single submitter. Criteria: Ambry Variant Classification Scheme 2023. Collection method: clinical testing. Allele origin: germline.
Comment: The p.S2125F variant (also known as c.6374C>T), located in coding exon 15 of the APC gene, results from a C to T substitution at nucleotide position 6374. The serine at codon 2125 is replaced by phenylalanine, an amino acid with highly dissimilar properties. This amino acid position is highly conserved in available vertebrate species. In addition, in silico predictors for this gene do not accurately predict pathogenicity. Since supporting evidence is limited at this time, the clinical significance of this alteration remains unclear.

Mendelics
Classification: Uncertain significance. Last evaluated: 2022-05-04. Review status: criteria provided, single submitter. Criteria: Mendelics Assertion Criteria 2019. Collection method: clinical testing. Allele origin: germline.